The following is an entry in ClinVar:

NM_000147.5(FUCA1):c.137C>G (p.Ser46Cys)

Gene: FUCA1 (alpha-L-fucosidase 1; minus strand). Cytogenetic location: 1p36.11.
Variant type: single nucleotide variant.
Coding change: c.137C>G on transcript NM_000147.5 (MANE Select); coding-DNA position 137, C replaced by G.
Protein change: p.Ser46Cys; replaces serine 46 with cysteine.
Molecular consequence: missense variant.
Genome position (GRCh38, 1-based): chr1:23,868,150, G>C on the plus strand (C>G on the coding strand, the complement: FUCA1 is on the minus strand). VCF-style: chr1-23868150-G-C. GRCh37 (hg19) VCF-style: chr1-24194640-G-C.
Other names: c.137C>G (NM_000147.4); short protein forms S46C.
Identifiers: ClinVar variation 1397932 (VCV001397932.4), dbSNP rs367641377, ClinGen allele CA19283545.

ClinVar aggregate classification (germline): Uncertain significance. Review status: criteria provided, multiple submitters, no conflicts (2 of 4 stars). 2 submissions from 2 submitters: Uncertain significance (2). Last evaluated 2025-06-17.

Conditions:
Inborn genetic diseases. Identifiers: MedGen C0950123, MeSH D030342.
Fucosidosis. Also called: ALPHA-L-FUCOSIDASE DEFICIENCY. Identifiers: Orphanet 349, MedGen C0016788, MONDO:0009254, OMIM 230000.

Allele frequency attached by ClinVar (database versions not stated): gnomAD 0.00001; gnomAD exomes 0.00001; TOPMed 0.00004; ESP Exome Variant Server 0.00008.

Submissions (2):

Ambry Genetics
Classification: Uncertain significance for Inborn genetic diseases. Last evaluated: 2025-06-17. Review status: criteria provided, single submitter. Criteria: Ambry Variant Classification Scheme 2023. Collection method: clinical testing. Allele origin: germline.

Labcorp Genetics (formerly Invitae), Labcorp
Classification: Uncertain significance for Fucosidosis. Last evaluated: 2022-06-25. Review status: criteria provided, single submitter. Criteria: Invitae Variant Classification Sherloc (09022015). Collection method: clinical testing. Allele origin: germline.
Comment: This sequence change replaces serine, which is neutral and polar, with cysteine, which is neutral and slightly polar, at codon 46 of the FUCA1 protein (p.Ser46Cys). This variant is present in population databases (rs367641377, gnomAD 0.01%). This variant has not been reported in the literature in individuals affected with FUCA1-related conditions. Algorithms developed to predict the effect of missense changes on protein structure and function are either unavailable or do not agree on the potential impact of this missense change (SIFT: "Deleterious"; PolyPhen-2: "Probably Damaging"; Align-GVGD: "Class C0"). In summary, the available evidence is currently insufficient to determine the role of this variant in disease. Therefore, it has been classified as a Variant of Uncertain Significance.